The following is an entry in ClinVar:

ClinVar aggregate classification (germline): Pathogenic (1 of 4 stars; one submission).

Submission:

GeneDx
Classification: Pathogenic. Last evaluated: 2020-05-04. Review status: criteria provided, single submitter. Criteria: GeneDx Variant Classification Process June 2021. Collection method: clinical testing. Allele origin: germline. Affected: yes.
Comment: Canonical splice site variant predicted to result in a null allele in a gene for which loss-of-function is a known mechanism of disease; Not observed in large population cohorts (Lek et al., 2016); Has not been previously published as pathogenic or benign to our knowledge

NM_000180.4(GUCY2D):c.3139-1G>C

Gene: GUCY2D (guanylate cyclase 2D, retinal; plus strand). Cytogenetic location: 17p13.1.
Variant type: single nucleotide variant.
Coding change: c.3139-1G>C on transcript NM_000180.4 (MANE Select); the canonical splice acceptor site of the intron before coding-DNA position 3139, G replaced by C.
Molecular consequence: splice acceptor variant.
Genome position (GRCh38, 1-based): chr17:8,016,204, G>C. VCF-style: chr17-8016204-G-C. GRCh37 (hg19) VCF-style: chr17-7919522-G-C.
Identifiers: ClinVar variation 280359 (VCV000280359.4), dbSNP rs12602083, ClinGen allele CA10603325.